The following is an entry in ClinVar:

ClinVar aggregate classification (germline): Benign/Likely benign. Review status: criteria provided, multiple submitters, no conflicts (2 of 4 stars). 7 submissions from 7 submitters: Benign (2); Likely benign (3). 2 of the submissions do not count toward it. Last evaluated 2026-01-28.

Conditions:
A2ML1-related disorder. Also called: A2ML1-related condition.

Allele frequency attached by ClinVar (database versions not stated): 1000 Genomes Project 30x 0.00016; 1000 Genomes Project 0.00020; TOPMed 0.00040; ExAC 0.00055; ESP Exome Variant Server 0.00057; gnomAD exomes 0.00061 and 0.00046; gnomAD 0.00042 and 0.00044.
gnomAD v4.1: 941 of 1,614,064 alleles (0.058%); highest among the groups gnomAD compares: Non-Finnish European, 0.076%; no homozygotes.

Submissions (7):

Labcorp Genetics (formerly Invitae), Labcorp
Classification: Benign. Last evaluated: 2026-01-28. Review status: criteria provided, single submitter. Criteria: Invitae Variant Classification Sherloc (09022015). Collection method: clinical testing. Allele origin: germline.

PreventionGenetics, part of Exact Sciences
Classification: Likely benign for A2ML1-related condition. Last evaluated: 2024-12-05. Review status: criteria provided, single submitter. Criteria: ACMG Guidelines, 2015. Collection method: clinical testing. Allele origin: germline.
Comment: This variant is classified as likely benign based on ACMG/AMP sequence variant interpretation guidelines (Richards et al. 2015 PMID: 25741868, with internal and published modifications).

Blueprint Genetics
Classification: Likely benign. Last evaluated: 2024-01-24. Review status: criteria provided, single submitter. Criteria: ACMG Guidelines, 2015. Collection method: clinical testing. Allele origin: germline.

Ambry Genetics
Classification: Likely benign. Last evaluated: 2022-02-17. Review status: criteria provided, single submitter. Criteria: Ambry Variant Classification Scheme 2023. Collection method: clinical testing. Allele origin: germline.

Women's Health and Genetics/Laboratory Corporation of America, LabCorp
Classification: Benign. Last evaluated: 2020-07-04. Review status: criteria provided, single submitter. Criteria: LabCorp Variant Classification Summary - May 2015. Collection method: clinical testing. Allele origin: germline.

Clinical Genetics, Academic Medical Center
Classification: Benign. Review status: no assertion criteria provided. Collection method: clinical testing. Allele origin: germline. Affected: yes. Study: VKGL Data-share Consensus. Not counted in ClinVar's aggregate classification.

Joint Genome Diagnostic Labs from Nijmegen and Maastricht, Radboudumc and MUMC+
Classification: Likely benign. Review status: no assertion criteria provided. Collection method: clinical testing. Allele origin: germline. Affected: yes. Study: VKGL Data-share Consensus. Not counted in ClinVar's aggregate classification.

NM_144670.6(A2ML1):c.2749T>C (p.Leu917=)

Gene: A2ML1 (alpha-2-macroglobulin like 1; plus strand). Cytogenetic location: 12p13.31.
Variant type: single nucleotide variant.
Coding change: c.2749T>C on transcript NM_144670.6 (MANE Select); coding-DNA position 2749, T replaced by C.
Protein change: p.Leu917=; no amino-acid change (leucine 917 retained).
Molecular consequence: synonymous variant.
Genome position (GRCh38, 1-based): chr12:8,854,816, T>C. VCF-style: chr12-8854816-T-C. GRCh37 (hg19) VCF-style: chr12-9007412-T-C.
Other names: c.1276T>C, p.Leu426= (NM_001282424.3).
Identifiers: ClinVar variation 413808 (VCV000413808.21), dbSNP rs200462659, ClinGen allele CA6436119.